The following is an entry in ClinVar:

NM_021073.4(BMP5):c.88_89del (p.Gly30fs)

Gene: BMP5 (bone morphogenetic protein 5; minus strand). Cytogenetic location: 6p12.1.
Variant type: Deletion.
Coding change: c.88_89del on transcript NM_021073.4 (MANE Select); coding-DNA positions 88 to 89, 2 bases deleted (GG; older notation c.88_89delGG).
Protein change: p.Gly30fs; shifts the reading frame from glycine 30.
Molecular consequence: frameshift variant.
Genome position (GRCh38, 1-based): chr6:55,874,777-55,874,778, CC deleted on the plus strand (GG on the coding strand, the reverse complement: BMP5 is on the minus strand); deleting any 2 consecutive bases within chr6:55,874,777-55,874,779 gives the same sequence; the c. name uses the placement nearest the transcript's 3' end. VCF-style (leftmost placement, unchanged base first): chr6-55874776-TCC-T. GRCh37 (hg19) VCF-style: chr6-55739574-TCC-T.
Other names: c.88_89del, p.Gly30fs (NM_001329754.2, NM_001329756.2); short protein forms G30fs.
Identifiers: ClinVar variation 3236160 (VCV003236160.2).

ClinVar aggregate classification (germline): Likely pathogenic (1 of 4 stars; one submission).

Conditions:
Microtia. Identifiers: MedGen C0152423, HP:0008551, MONDO:0010920.
Patellar aplasia. Identifiers: MedGen C1868578, HP:0006443.
Hypoplastic ischiopubic ramus. Identifiers: MedGen C4024617, HP:0008822.
Atrioventricular canal defect. Identifiers: MedGen C1389016, HP:0006695.

Submission:

Rare Disease Group, Clinical Genetics, Karolinska Institutet
Classification: Likely pathogenic for Patellar aplasia; Atrioventricular canal defect; Microtia; Hypoplastic ischiopubic ramus. Last evaluated: 2024-05-01. Review status: criteria provided, single submitter. Criteria: ACMG Guidelines, 2015. Collection method: clinical testing. Allele origin: paternal. Inheritance: Autosomal recessive inheritance. Affected: yes.
Comment: This variant is absent in gnomAD v2.1.1 and is predicted to be a loss-of-function variant.Therefore, we have classified the variant as likely pathogenic.